The following is an entry in ClinVar:

ClinVar aggregate classification (germline): Likely benign. Review status: criteria provided, single submitter (1 of 4 stars). 2 submissions from 2 submitters: Likely benign (1). 1 of the submissions does not count toward it. Last evaluated 2025-07-02.

Conditions:
Deficiency of alpha-mannosidase (MANSA). Also called: Mannosidosis, alpha-, types I and II; LYSOSOMAL ALPHA-D-MANNOSIDASE DEFICIENCY; Alpha-Mannosidosis. Identifiers: Orphanet 61, MedGen C0024748, MONDO:0009561, OMIM 248500.
MAN2B1-related disorder. Also called: MAN2B1-related condition.

gnomAD v4.1: 3 of 1,614,030 alleles (0.00019%); highest among the groups gnomAD compares: Non-Finnish European, 0.00025%; no homozygotes.

Submissions (2):

Labcorp Genetics (formerly Invitae), Labcorp
Classification: Likely benign for Deficiency of alpha-mannosidase. Last evaluated: 2025-07-02. Review status: criteria provided, single submitter. Criteria: Invitae Variant Classification Sherloc (09022015). Collection method: clinical testing. Allele origin: germline.

PreventionGenetics, part of Exact Sciences
Classification: Likely benign for MAN2B1-related condition. Last evaluated: 2019-05-23. Review status: no assertion criteria provided. Collection method: clinical testing. Allele origin: germline. Not counted in ClinVar's aggregate classification.
Comment: This variant is classified as likely benign based on ACMG/AMP sequence variant interpretation guidelines (Richards et al. 2015 PMID: 25741868, with internal and published modifications).

NM_000528.4(MAN2B1):c.2220G>A (p.Lys740=)

Gene: MAN2B1 (mannosidase alpha class 2B member 1; minus strand). Cytogenetic location: 19p13.13.
Variant type: single nucleotide variant.
Coding change: c.2220G>A on transcript NM_000528.4 (MANE Select); coding-DNA position 2220, G replaced by A.
Protein change: p.Lys740=; no amino-acid change (lysine 740 retained).
Molecular consequence: synonymous variant.
Genome position (GRCh38, 1-based): chr19:12,649,960, C>T on the plus strand (G>A on the coding strand, the complement: MAN2B1 is on the minus strand). VCF-style: chr19-12649960-C-T. GRCh37 (hg19) VCF-style: chr19-12760774-C-T.
Other names: c.2217G>A, p.Lys739= (NM_001173498.2).
Identifiers: ClinVar variation 762855 (VCV000762855.11), dbSNP rs1599341929, ClinGen allele CA505770894.